The following is an entry in ClinVar:

NM_001163941.2(ABCB5):c.3735C>T (p.Asp1245=)

Gene: ABCB5 (ATP binding cassette subfamily B member 5; plus strand). Cytogenetic location: 7p21.1.
Variant type: single nucleotide variant.
Coding change: c.3735C>T on transcript NM_001163941.2 (MANE Select); coding-DNA position 3735, C replaced by T.
Protein change: p.Asp1245=; no amino-acid change (aspartic acid 1245 retained).
Molecular consequence: synonymous variant.
Genome position (GRCh38, 1-based): chr7:20,755,585, C>T. VCF-style: chr7-20755585-C-T. GRCh37 (hg19) VCF-style: chr7-20795208-C-T.
Other names: c.2400C>T, p.Asp800= (NM_178559.6).
Identifiers: ClinVar variation 2657335 (VCV002657335.24), dbSNP rs147340449, ClinGen allele CA4177773.

ClinVar aggregate classification (germline): Likely benign (1 of 4 stars; one submission).

Allele frequency attached by ClinVar (database versions not stated): ExAC 0.00001; gnomAD exomes 0.00001; ESP Exome Variant Server 0.00008.
gnomAD v4.1: 9 of 1,614,158 alleles (0.00056%); highest among the groups gnomAD compares: Non-Finnish European, 0.00017%; no homozygotes.

Submission:

CeGaT Center for Human Genetics Tuebingen
Classification: Likely benign. Last evaluated: 2023-03-01. Review status: criteria provided, single submitter. Criteria: CeGaT Center For Human Genetics Tuebingen Variant Classification Criteria Version 2. Collection method: clinical testing. Allele origin: germline. Affected: yes. Observed: 1 variant allele.
Comment: ABCB5: BP4, BP7